The following is an entry in ClinVar:

NM_005359.6(SMAD4):c.1463C>T (p.Ala488Val)

Gene: SMAD4 (SMAD family member 4; plus strand). Cytogenetic location: 18q21.2.
Variant type: single nucleotide variant.
Coding change: c.1463C>T on transcript NM_005359.6 (MANE Select); coding-DNA position 1463, C replaced by T.
Protein change: p.Ala488Val; replaces alanine 488 with valine.
Molecular consequence: missense variant. On other transcripts: non-coding transcript variant (1).
Genome position (GRCh38, 1-based): chr18:51,078,271, C>T. VCF-style: chr18-51078271-C-T. GRCh37 (hg19) VCF-style: chr18-48604641-C-T.
Other names: c.1463C>T, p.Ala488Val (NM_001407041.1, NM_001407042.1); short protein forms A488V.
Identifiers: ClinVar variation 2774529 (VCV002774529.3), dbSNP rs2144478042, ClinGen allele CA402465683.

ClinVar aggregate classification (germline): Uncertain significance. Review status: criteria provided, multiple submitters, no conflicts (2 of 4 stars). 2 submissions from 2 submitters: Uncertain significance (2). Last evaluated 2023-06-12.

Conditions:
Hereditary cancer-predisposing syndrome. Also called: Neoplastic Syndromes, Hereditary; Tumor predisposition; Hereditary Cancer Syndrome; Hereditary neoplastic syndrome. Identifiers: Orphanet 140162, MedGen C0027672, MeSH D009386, MONDO:0015356.
Familial thoracic aortic aneurysm and aortic dissection (TAAD). Also called: Thoracic aortic aneurysms and dissections. Identifiers: Orphanet 91387, MedGen C4707243, MONDO:0019625.

Submissions (2):

Ambry Genetics
Classification: Uncertain significance for Hereditary cancer-predisposing syndrome; Familial thoracic aortic aneurysm and aortic dissection. Last evaluated: 2023-06-12. Review status: criteria provided, single submitter. Criteria: Ambry Variant Classification Scheme 2023. Collection method: clinical testing. Allele origin: germline.
Comment: The p.A488V variant (also known as c.1463C>T), located in coding exon 11 of the SMAD4 gene, results from a C to T substitution at nucleotide position 1463. The alanine at codon 488 is replaced by valine, an amino acid with similar properties. This amino acid position is highly conserved in available vertebrate species. In addition, this alteration is predicted to be deleterious by in silico analysis. Since supporting evidence is limited at this time, the clinical significance of this alteration remains unclear.

Color Diagnostics, LLC DBA Color Health
Classification: Uncertain significance for Hereditary cancer-predisposing syndrome. Last evaluated: 2021-08-30. Review status: criteria provided, single submitter. Criteria: ACMG Guidelines, 2015. Collection method: clinical testing. Allele origin: germline.
Comment: This missense variant replaces alanine with valine at codon 488 of the SMAD4 protein. Computational prediction is inconclusive regarding the impact of this variant on protein structure and function (internally defined REVEL score threshold 0.5 < inconclusive < 0.7, PMID: 27666373). To our knowledge, functional studies have not been reported for this variant. This variant has not been reported in individuals affected with hereditary cancer in the literature. This variant has not been identified in the general population by the Genome Aggregation Database (gnomAD). The available evidence is insufficient to determine the role of this variant in disease conclusively. Therefore, this variant is classified as a Variant of Uncertain Significance.